The following is an entry in ClinVar:

ClinVar aggregate classification (germline): Uncertain significance (1 of 4 stars; one submission).

Submission:

Ambry Genetics
Classification: Uncertain significance. Last evaluated: 2025-05-31. Review status: criteria provided, single submitter. Criteria: Ambry Variant Classification Scheme 2023. Collection method: clinical testing. Allele origin: germline.
Comment: The p.S31I variant (also known as c.92G>T), located in coding exon 1 of the ATRIP gene, results from a G to T substitution at nucleotide position 92. The serine at codon 31 is replaced by isoleucine, an amino acid with dissimilar properties. This amino acid position is conserved. In addition, this alteration is predicted to be tolerated by in silico analysis. Based on the available evidence, the clinical significance of this variant remains unclear.

NM_130384.3(ATRIP):c.92G>T (p.Ser31Ile)

Genes: ATRIP (ATR interacting protein; plus strand), ATRIP-TREX1 (ATRIP-TREX1 readthrough; plus strand), LOC129936703 (ATAC-STARR-seq lymphoblastoid silent region 14331; plus strand). Cytogenetic location: 3p21.31.
Variant type: single nucleotide variant.
Coding change: c.92G>T on transcript NM_130384.3 (MANE Select); coding-DNA position 92, G replaced by T.
Protein change: p.Ser31Ile; replaces serine 31 with isoleucine.
Molecular consequence: missense variant. On other transcripts: non-coding transcript variant (1), intron variant (1).
Genome position (GRCh38, 1-based): chr3:48,446,937, G>T. VCF-style: chr3-48446937-G-T. GRCh37 (hg19) VCF-style: chr3-48488341-G-T.
Other names: c.92G>T, p.Ser31Ile (NM_032166.4); c.-218+138G>T (NM_001271022.2); short protein forms S31I.
Identifiers: ClinVar variation 3976913 (VCV003976913.1).